The following is an entry in ClinVar:

NM_001378024.1(ARHGAP32):c.744C>T (p.Pro248=)

Gene: ARHGAP32 (Rho GTPase activating protein 32; minus strand). Cytogenetic location: 11q24.3.
Variant type: single nucleotide variant.
Coding change: c.744C>T on transcript NM_001378024.1 (MANE Select); coding-DNA position 744, C replaced by T.
Protein change: p.Pro248=; no amino-acid change (proline 248 retained).
Molecular consequence: synonymous variant.
Genome position (GRCh38, 1-based): chr11:129,064,859, G>A on the plus strand (C>T on the coding strand, the complement: ARHGAP32 is on the minus strand). VCF-style: chr11-129064859-G-A. GRCh37 (hg19) VCF-style: chr11-128934754-G-A.
Other names: c.702C>T, p.Pro234= (NM_001142685.2); c.582C>T, p.Pro194= (NM_001378025.1).
Identifiers: ClinVar variation 2642542 (VCV002642542.24), dbSNP rs899696871, ClinGen allele CA230963547.

ClinVar aggregate classification (germline): Likely benign (1 of 4 stars; one submission).

Allele frequency attached by ClinVar (database versions not stated): TOPMed below 0.00001; gnomAD exomes 0.00002.

Submission:

CeGaT Center for Human Genetics Tuebingen
Classification: Likely benign. Last evaluated: 2022-04-01. Review status: criteria provided, single submitter. Criteria: CeGaT Center For Human Genetics Tuebingen Variant Classification Criteria Version 2. Collection method: clinical testing. Allele origin: germline. Affected: yes. Observed: 1 variant allele.
Comment: ARHGAP32: BP4, BP7